The following is an entry in ClinVar:

NM_001374259.2(IL12RB2):c.94G>A (p.Asp32Asn)

Gene: IL12RB2 (interleukin 12 receptor subunit beta 2; plus strand). Cytogenetic location: 1p31.3.
Variant type: single nucleotide variant.
Coding change: c.94G>A on transcript NM_001374259.2 (MANE Select); coding-DNA position 94, G replaced by A.
Protein change: p.Asp32Asn; replaces aspartic acid 32 with asparagine.
Molecular consequence: missense variant. On other transcripts: non-coding transcript variant (2).
Genome position (GRCh38, 1-based): chr1:67,321,619, G>A. VCF-style: chr1-67321619-G-A. GRCh37 (hg19) VCF-style: chr1-67787302-G-A.
Other names: c.94G>A, p.Asp32Asn (NM_001258214.1, NM_001258215.1, NM_001258216.1 and 2 more transcripts); c.94G>A (NM_001559.2); short protein forms D32N.
Identifiers: ClinVar variation 2187685 (VCV002187685.5), dbSNP rs775778071, ClinGen allele CA900114.

ClinVar aggregate classification (germline): Uncertain significance. Review status: criteria provided, multiple submitters, no conflicts (2 of 4 stars). 2 submissions from 2 submitters: Uncertain significance (2). Last evaluated 2025-10-21.

Allele frequency attached by ClinVar (database versions not stated): TOPMed 0.00003; gnomAD 0.00004; ExAC 0.00005; gnomAD exomes 0.00006.

Submissions (2):

Labcorp Genetics (formerly Invitae), Labcorp
Classification: Uncertain significance. Last evaluated: 2025-10-21. Review status: criteria provided, single submitter. Criteria: Invitae Variant Classification Sherloc (09022015). Collection method: clinical testing. Allele origin: germline.
Comment: This sequence change replaces aspartic acid, which is acidic and polar, with asparagine, which is neutral and polar, at codon 32 of the IL12RB2 protein (p.Asp32Asn). This variant is present in population databases (rs775778071, gnomAD 0.03%). This variant has not been reported in the literature in individuals affected with IL12RB2-related conditions. ClinVar contains an entry for this variant (Variation ID: 2187685). An algorithm developed to predict the effect of missense changes on protein structure and function (PolyPhen-2) suggests that this variant is likely to be tolerated. In summary, the available evidence is currently insufficient to determine the role of this variant in disease. Therefore, it has been classified as a Variant of Uncertain Significance.

Ambry Genetics
Classification: Uncertain significance. Last evaluated: 2021-12-06. Review status: criteria provided, single submitter. Criteria: Ambry Variant Classification Scheme 2023. Collection method: clinical testing. Allele origin: germline.